The following is an entry in ClinVar:

ClinVar aggregate classification (germline): Benign/Likely benign. Review status: criteria provided, multiple submitters, no conflicts (2 of 4 stars). 7 submissions from 7 submitters: Benign (1); Likely benign (6). Last evaluated 2026-02-21.

Conditions:
Hereditary cancer-predisposing syndrome. Also called: Neoplastic Syndromes, Hereditary; Hereditary neoplastic syndrome; Tumor predisposition; Hereditary Cancer Syndrome. Identifiers: Orphanet 140162, MedGen C0027672, MeSH D009386, MONDO:0015356.
Ataxia-telangiectasia syndrome (AT). Also called: Ataxia telangiectasia (A-T); Cerebello-oculocutaneous telangiectasia; Immunodeficiency with ataxia telangiectasia; LOUIS-BAR SYNDROME; AT, COMPLEMENTATION GROUP C; ATAXIA-TELANGIECTASIA, FRESNO VARIANT. Identifiers: Orphanet 100, MedGen C0004135, MONDO:0008840, OMIM 208900.
Familial cancer of breast. Also called: hereditary breast carcinoma; Hereditary breast cancer; BREAST CANCER, FAMILIAL. Identifiers: Orphanet 227535, MedGen C0346153, MONDO:0016419, OMIM 114480. Disease mechanism: loss of function.

Allele frequency attached by ClinVar (database versions not stated): gnomAD 0.00001; gnomAD exomes 0.00001; TOPMed 0.00001.
gnomAD v4.1: 16 of 1,614,066 alleles (0.00099%); highest among the groups gnomAD compares: African/African-American, 0.0013%; no homozygotes.

Submissions (7):

Women's Health and Genetics/Laboratory Corporation of America, LabCorp
Classification: Likely benign. Last evaluated: 2026-02-21. Review status: criteria provided, single submitter. Criteria: LabCorp Variant Classification Summary - May 2015. Collection method: clinical testing. Allele origin: germline.

Labcorp Genetics (formerly Invitae), Labcorp
Classification: Likely benign for Ataxia-telangiectasia syndrome. Last evaluated: 2026-01-31. Review status: criteria provided, single submitter. Criteria: Invitae Variant Classification Sherloc (09022015). Collection method: clinical testing. Allele origin: germline.

Myriad Genetics, Inc.
Classification: Benign for Familial cancer of breast. Last evaluated: 2024-06-06. Review status: criteria provided, single submitter. Criteria: Myriad Autosomal Dominant, Autosomal Recessive and X-Linked Classification Criteria (2023). Collection method: clinical testing. Allele origin: unknown.
Comment: This variant is considered benign. This variant is a silent/synonymous amino acid change and it is not expected to impact splicing.

Blueprint Genetics
Classification: Likely benign. Last evaluated: 2024-04-22. Review status: criteria provided, single submitter. Criteria: ACMG Guidelines, 2015. Collection method: clinical testing. Allele origin: germline.

GeneDx
Classification: Likely benign. Last evaluated: 2018-01-20. Review status: criteria provided, single submitter. Criteria: GeneDx Variant Classification (06012015). Collection method: clinical testing. Allele origin: germline. Affected: yes.
Comment: This variant is considered likely benign or benign based on one or more of the following criteria: it is a conservative change, it occurs at a poorly conserved position in the protein, it is predicted to be benign by multiple in silico algorithms, and/or has population frequency not consistent with disease.

Color Diagnostics, LLC DBA Color Health
Classification: Likely benign for Hereditary cancer-predisposing syndrome. Last evaluated: 2016-04-26. Review status: criteria provided, single submitter. Criteria: ACMG Guidelines, 2015. Collection method: clinical testing. Allele origin: germline.

Ambry Genetics
Classification: Likely benign for Hereditary cancer-predisposing syndrome. Last evaluated: 2014-11-25. Review status: criteria provided, single submitter. Criteria: Ambry Variant Classification Scheme 2023. Collection method: clinical testing. Allele origin: germline.

NM_000051.4(ATM):c.6507C>G (p.Leu2169=)

Genes: ATM (ATM serine/threonine kinase; plus strand), C11orf65 (chromosome 11 open reading frame 65; minus strand). Cytogenetic location: 11q22.3.
Variant type: single nucleotide variant.
Coding change: c.6507C>G on transcript NM_000051.4 (MANE Select); coding-DNA position 6507, C replaced by G.
Protein change: p.Leu2169=; no amino-acid change (leucine 2169 retained).
Molecular consequence: synonymous variant. On other transcripts: intron variant (2).
Genome position (GRCh38, 1-based): chr11:108,321,355, C>G. VCF-style: chr11-108321355-C-G. GRCh37 (hg19) VCF-style: chr11-108192082-C-G.
Other names: c.6507C>G, p.Leu2169= (NM_001351834.2); c.641-12284G>C (NM_001330368.2); c.*39-12284G>C (NM_001351110.2).
Identifiers: ClinVar variation 215589 (VCV000215589.21), dbSNP rs863224295, ClinGen allele CA338180.